The following is an entry in ClinVar:

NM_001267550.2(TTN):c.48742C>A (p.Gln16248Lys)

Genes: TTN (titin; minus strand), TTN-AS1 (TTN antisense RNA 1; plus strand), LOC126806426 (BRD4-independent group 4 enhancer GRCh37_chr2:179478848-179480047; plus strand). Cytogenetic location: 2q31.2.
Variant type: single nucleotide variant.
Coding change: c.48742C>A on transcript NM_001267550.2 (MANE Select); coding-DNA position 48742, C replaced by A.
Protein change: p.Gln16248Lys; replaces glutamine 16248 with lysine.
Molecular consequence: missense variant.
Genome position (GRCh38, 1-based): chr2:178,614,865, G>T on the plus strand (C>A on the coding strand, the complement: TTN is on the minus strand). VCF-style: chr2-178614865-G-T. GRCh37 (hg19) VCF-style: chr2-179479592-G-T.
Other names: c.43819C>A, p.Gln14607Lys (NM_001256850.1); c.21547C>A, p.Gln7183Lys (NM_003319.4); c.41038C>A, p.Gln13680Lys (NM_133378.4); c.21922C>A, p.Gln7308Lys (NM_133432.3); c.22123C>A, p.Gln7375Lys (NM_133437.4); short protein forms Q14607K, Q16248K, Q7183K, Q7308K, Q13680K, Q7375K.
Identifiers: ClinVar variation 1786791 (VCV001786791.2), dbSNP rs890836589, ClinGen allele CA60987819.
Genomic context (GRCh38, chr2:178,614,865, plus strand): 5'-GTCAGAGGCCTATTTGATAAGACAAAAATCAAAAATAGATACCTTGTGTGTCCACAGCCT[G>T]GATTTCCTCTGTGGGTCTGCTTGGTTTGCTAGCACCCTGCCTGTTTAAGGCCTTCACGCG-3'
Protein context (NP_001254479.2, residues 16238-16258): SKPSRPTEEI[Gln16248Lys]AVDTQEAPEI

ClinVar aggregate classification (germline): Uncertain significance (1 of 4 stars; one submission).

Conditions:
Cardiovascular phenotype. Identifiers: MedGen CN230736.

Allele frequency attached by ClinVar (database versions not stated): gnomAD 0.00001; gnomAD exomes 0.00001; TOPMed 0.00001.
gnomAD v4.1: 21 of 1,573,176 alleles (0.0013%); highest among the groups gnomAD compares: Non-Finnish European, 0.0017%; no homozygotes.

Submission:

Ambry Genetics
Classification: Uncertain significance for Cardiovascular phenotype. Last evaluated: 2019-05-24. Review status: criteria provided, single submitter. Criteria: Ambry Variant Classification Scheme 2023. Collection method: clinical testing. Allele origin: germline.
Comment: The p.Q7183K variant (also known as c.21547C>A), located in coding exon 87 of the TTN gene, results from a C to A substitution at nucleotide position 21547. The glutamine at codon 7183 is replaced by lysine, an amino acid with similar properties. This amino acid position is well conserved in available vertebrate species. In addition, this alteration is predicted to be tolerated by in silico analysis. Since supporting evidence is limited at this time, the clinical significance of this alteration remains unclear.